The following is an entry in ClinVar:

ClinVar aggregate classification (germline): Uncertain significance (1 of 4 stars; one submission).

Conditions:
Mitochondrial trifunctional protein deficiency. Identifiers: Orphanet 746, MedGen C1969443, MONDO:0012172.

Allele frequency attached by ClinVar (database versions not stated): TOPMed 0.00002; gnomAD 0.00003.

Submission:

Labcorp Genetics (formerly Invitae), Labcorp
Classification: Uncertain significance for Mitochondrial trifunctional protein deficiency. Last evaluated: 2022-07-21. Review status: criteria provided, single submitter. Criteria: Invitae Variant Classification Sherloc (09022015). Collection method: clinical testing. Allele origin: germline.
Comment: This sequence change replaces proline, which is neutral and non-polar, with threonine, which is neutral and polar, at codon 473 of the HADHB protein (p.Pro473Thr). In summary, the available evidence is currently insufficient to determine the role of this variant in disease. Therefore, it has been classified as a Variant of Uncertain Significance. Algorithms developed to predict the effect of missense changes on protein structure and function are either unavailable or do not agree on the potential impact of this missense change (SIFT: "Tolerated"; PolyPhen-2: "Probably Damaging"; Align-GVGD: "Class C0"). ClinVar contains an entry for this variant (Variation ID: 468765). This variant has not been reported in the literature in individuals affected with HADHB-related conditions. This variant is present in population databases (no rsID available, gnomAD 0.01%).

NM_000183.3(HADHB):c.1417C>A (p.Pro473Thr)

Gene: HADHB (hydroxyacyl-CoA dehydrogenase trifunctional multienzyme complex subunit beta; plus strand). Cytogenetic location: 2p23.3.
Variant type: single nucleotide variant.
Coding change: c.1417C>A on transcript NM_000183.3 (MANE Select); coding-DNA position 1417, C replaced by A.
Protein change: p.Pro473Thr; replaces proline 473 with threonine.
Molecular consequence: missense variant.
Genome position (GRCh38, 1-based): chr2:26,289,945, C>A. VCF-style: chr2-26289945-C-A. GRCh37 (hg19) VCF-style: chr2-26512813-C-A.
Other names: c.1372C>A, p.Pro458Thr (NM_001281512.2); c.1351C>A, p.Pro451Thr (NM_001281513.2); short protein forms P473T, P451T, P458T.
Identifiers: ClinVar variation 468765 (VCV000468765.10), dbSNP rs942477332, ClinGen allele CA44347347.